The following is an entry in ClinVar:

NM_206937.2(LIG4):c.1607G>A (p.Ser536Asn)

Gene: LIG4 (DNA ligase 4; minus strand). Cytogenetic location: 13q33.3.
Variant type: single nucleotide variant.
Coding change: c.1607G>A on transcript NM_206937.2 (MANE Select); coding-DNA position 1607, G replaced by A.
Protein change: p.Ser536Asn; replaces serine 536 with asparagine.
Molecular consequence: missense variant.
Genome position (GRCh38, 1-based): chr13:108,209,662, C>T on the plus strand (G>A on the coding strand, the complement: LIG4 is on the minus strand). VCF-style: chr13-108209662-C-T. GRCh37 (hg19) VCF-style: chr13-108862010-C-T.
Other names: p.Ser536Asn; c.1607G>A, p.Ser536Asn (NM_001098268.2, NM_001352598.2, NM_001352599.2 and 6 more transcripts); c.1406G>A, p.Ser469Asn (NM_001330595.2); c.1643G>A, p.Ser548Asn (NM_001352604.2); short protein forms S536N, S469N, S548N.
Identifiers: ClinVar variation 581350 (VCV000581350.16), dbSNP rs552242241, ClinGen allele CA7043656.

ClinVar aggregate classification (germline): Conflicting classifications of pathogenicity. Review status: criteria provided, conflicting classifications (1 of 4 stars). 7 submissions from 7 submitters: Uncertain significance (6); Likely benign (1). Last evaluated 2026-08-06.

Conditions:
LIG4-related disorder. Also called: LIG4-related disorders; LIG4-related condition. Identifiers: MedGen CN239380.
DNA ligase IV deficiency. Identifiers: Orphanet 99812, MedGen C1847827, MONDO:0011686, OMIM 606593.

Allele frequency attached by ClinVar (database versions not stated): gnomAD 0.00004; gnomAD exomes 0.00007 and 0.00011; TOPMed 0.00008; ExAC 0.00009; 1000 Genomes Project 30x 0.00016; 1000 Genomes Project 0.00020.
gnomAD v4.1: 112 of 1,614,178 alleles (0.0069%); highest among the groups gnomAD compares: Middle Eastern, 0.2%; no homozygotes.

Submissions (7):

OLLIN Analises Genomicas, OLLIN
Classification: Uncertain significance. Last evaluated: 2026-08-06. Review status: criteria provided, single submitter. Criteria: ACMG Guidelines 2015 PMID 25741868. Collection method: clinical testing. Allele origin: germline.
Comment: This missense variant, located in exon 3 (of 3), has been reported in ClinVar (accession VCV000581350.14) and in gnomAD with an allele frequency of 0.0069%. However, to our knowledge, it has not been reported in the scientific literature. In silico analysis predicts that this variant has a tolerated effect. According to the currently available evidence, this variant has been classified as uncertain significance (PM2_P, BP4_M).

PreventionGenetics, part of Exact Sciences
Classification: Uncertain significance for LIG4-related condition. Last evaluated: 2025-10-17. Review status: criteria provided, single submitter. Criteria: ACMG Guidelines, 2015. Collection method: clinical testing. Allele origin: germline.
Comment: The LIG4 c.1607G>A variant is predicted to result in the amino acid substitution p.Ser536Asn. To our knowledge, this variant has not been reported in the literature. This variant is reported in 0.035% of alleles in individuals of Latino descent in gnomAD. At this time, the clinical significance of this variant is uncertain due to the absence of conclusive functional and genetic evidence.

Blueprint Genetics
Classification: Likely benign. Last evaluated: 2024-09-27. Review status: criteria provided, single submitter. Criteria: ACMG Guidelines, 2015. Collection method: clinical testing. Allele origin: germline.

Mayo Clinic Laboratories, Mayo Clinic
Classification: Uncertain significance. Last evaluated: 2024-04-24. Review status: criteria provided, single submitter. Criteria: ACMG Guidelines, 2015. Collection method: clinical testing. Allele origin: germline. Observed: 1 variant allele.
Comment: BP4

Labcorp Genetics (formerly Invitae), Labcorp
Classification: Uncertain significance for DNA ligase IV deficiency. Last evaluated: 2022-10-05. Review status: criteria provided, single submitter. Criteria: Invitae Variant Classification Sherloc (09022015). Collection method: clinical testing. Allele origin: germline.
Comment: This sequence change replaces serine, which is neutral and polar, with asparagine, which is neutral and polar, at codon 536 of the LIG4 protein (p.Ser536Asn). This variant is present in population databases (rs552242241, gnomAD 0.04%). This variant has not been reported in the literature in individuals affected with LIG4-related conditions. ClinVar contains an entry for this variant (Variation ID: 581350). Advanced modeling of protein sequence and biophysical properties (such as structural, functional, and spatial information, amino acid conservation, physicochemical variation, residue mobility, and thermodynamic stability) performed at Invitae indicates that this missense variant is not expected to disrupt LIG4 protein function. In summary, the available evidence is currently insufficient to determine the role of this variant in disease. Therefore, it has been classified as a Variant of Uncertain Significance.

Revvity Omics, Revvity
Classification: Uncertain significance for DNA ligase IV deficiency. Last evaluated: 2022-02-04. Review status: criteria provided, single submitter. Criteria: ACMG Guidelines, 2015. Collection method: clinical testing. Allele origin: germline.

Genetic Services Laboratory, University of Chicago
Classification: Uncertain significance. Last evaluated: 2017-09-28. Review status: criteria provided, single submitter. Criteria: ACMG Guidelines, 2015. Collection method: clinical testing. Allele origin: germline. Affected: no.